The following is an entry in ClinVar:

ClinVar aggregate classification (germline): Uncertain significance (1 of 4 stars; one submission).

Conditions:
Hereditary cancer-predisposing syndrome. Also called: Tumor predisposition; Hereditary Cancer Syndrome; Neoplastic Syndromes, Hereditary; Hereditary neoplastic syndrome. Identifiers: Orphanet 140162, MedGen C0027672, MeSH D009386, MONDO:0015356.

Submission:

Ambry Genetics
Classification: Uncertain significance for Hereditary cancer-predisposing syndrome. Last evaluated: 2020-06-04. Review status: criteria provided, single submitter. Criteria: Ambry Variant Classification Scheme 2023. Collection method: clinical testing. Allele origin: germline.
Comment: The p.K928* variant (also known as c.2782A>T), located in coding exon 27 of the RB1 gene, results from an A to T substitution at nucleotide position 2782. This changes the amino acid from a lysine to a stop codon within coding exon 27. Premature stop codons are typically deleterious in nature, however, this stop codon occurs at the 3' terminus of RB1, is not expected to trigger nonsense-mediated mRNA decay, and removes only the last amino acid of the protein. The exact functional impact of this removed amino acid is unknown at this time. Since supporting evidence is limited at this time, the clinical significance of this alteration remains unclear.

NM_000321.3(RB1):c.2782A>T (p.Lys928Ter)

Gene: RB1 (RB transcriptional corepressor 1; plus strand). Cytogenetic location: 13q14.2.
Variant type: single nucleotide variant.
Coding change: c.2782A>T on transcript NM_000321.3 (MANE Select); coding-DNA position 2782, A replaced by T.
Protein change: p.Lys928Ter; replaces lysine 928 with a stop codon.
Molecular consequence: nonsense.
Genome position (GRCh38, 1-based): chr13:48,480,066, A>T. VCF-style: chr13-48480066-A-T. GRCh37 (hg19) VCF-style: chr13-49054202-A-T.
Other names: c.*29A>T (NM_001407165.1); c.232A>T, p.Lys78Ter (NM_001407168.1); short protein forms K78*, K928*.
Identifiers: ClinVar variation 1795946 (VCV001795946.2), dbSNP rs2542387928, ClinGen allele CA388158658.